The following is an entry in ClinVar:

ClinVar aggregate classification (germline): Uncertain significance (1 of 4 stars; one submission).

Conditions:
Hereditary cancer-predisposing syndrome. Also called: Neoplastic Syndromes, Hereditary; Tumor predisposition; Hereditary neoplastic syndrome; Hereditary Cancer Syndrome. Identifiers: Orphanet 140162, MedGen C0027672, MeSH D009386, MONDO:0015356.

Submission:

Ambry Genetics
Classification: Uncertain significance for Hereditary cancer-predisposing syndrome. Last evaluated: 2022-11-23. Review status: criteria provided, single submitter. Criteria: Ambry Variant Classification Scheme 2023. Collection method: clinical testing. Allele origin: germline.
Comment: The p.P269R variant (also known as c.806C>G), located in coding exon 4 of the SMARCA4 gene, results from a C to G substitution at nucleotide position 806. The proline at codon 269 is replaced by arginine, an amino acid with dissimilar properties. This amino acid position is highly conserved in available vertebrate species. In addition, the in silico prediction for this alteration is inconclusive. Since supporting evidence is limited at this time, the clinical significance of this alteration remains unclear.

NM_003072.5(SMARCA4):c.806C>G (p.Pro269Arg)

Gene: SMARCA4 (SWI/SNF related BAF chromatin remodeling complex subunit ATPase 4; plus strand). Cytogenetic location: 19p13.2.
Variant type: single nucleotide variant.
Coding change: c.806C>G on transcript NM_003072.5 (MANE Select); coding-DNA position 806, C replaced by G.
Protein change: p.Pro269Arg; replaces proline 269 with arginine.
Molecular consequence: missense variant. On other transcripts: non-coding transcript variant (1).
Genome position (GRCh38, 1-based): chr19:10,986,950, C>G. VCF-style: chr19-10986950-C-G. GRCh37 (hg19) VCF-style: chr19-11097626-C-G.
Other names: c.806C>G, p.Pro269Arg (NM_001128844.3, NM_001128845.2, NM_001128846.2 and 6 more transcripts); short protein forms P269R.
Identifiers: ClinVar variation 2452839 (VCV002452839.2), dbSNP rs2145796622, ClinGen allele CA404057997.
Genomic context (GRCh38, chr19:10,986,950, plus strand): 5'-TCTCCCTACATGTAGGTATGGGAGGGCCCAACATGCCTCCCCCAGGACCCTCGGGCGTGC[C>G]CCCCGGGATGCCAGGCCAGCCTCCTGGAGGGCCTCCCAAGCCCTGGCCTGAAGGTGAGCT-3'
Protein context (NP_003063.2, residues 259-279): NMPPPGPSGV[Pro269Arg]PGMPGQPPGG